The following is an entry in ClinVar:

ClinVar aggregate classification (germline): Uncertain significance (1 of 4 stars; one submission).

Allele frequency attached by ClinVar (database versions not stated): gnomAD exomes below 0.00001 and 0.00001; gnomAD 0.00001; TOPMed 0.00001.

Submission:

Labcorp Genetics (formerly Invitae), Labcorp
Classification: Uncertain significance. Last evaluated: 2025-11-03. Review status: criteria provided, single submitter. Criteria: Invitae Variant Classification Sherloc (09022015). Collection method: clinical testing. Allele origin: germline.
Comment: This sequence change replaces alanine, which is neutral and non-polar, with serine, which is neutral and polar, at codon 499 of the RELA protein (p.Ala499Ser). The frequency data for this variant in the population databases is considered unreliable, as metrics indicate poor data quality at this position in the gnomAD database. This variant has not been reported in the literature in individuals affected with RELA-related conditions. ClinVar contains an entry for this variant (Variation ID: 1509226). An algorithm developed to predict the effect of missense changes on protein structure and function outputs the following: PolyPhen-2: "Benign". The serine amino acid residue is found in multiple mammalian species, which suggests that this missense change does not adversely affect protein function. In summary, the available evidence is currently insufficient to determine the role of this variant in disease. Therefore, it has been classified as a Variant of Uncertain Significance.

NM_021975.4(RELA):c.1495G>T (p.Ala499Ser)

Gene: RELA (RELA proto-oncogene, NF-kB subunit; minus strand). Cytogenetic location: 11q13.1.
Variant type: single nucleotide variant.
Coding change: c.1495G>T on transcript NM_021975.4 (MANE Select); coding-DNA position 1495, G replaced by T.
Protein change: p.Ala499Ser; replaces alanine 499 with serine.
Molecular consequence: missense variant. On other transcripts: intron variant (1).
Genome position (GRCh38, 1-based): chr11:65,654,539, C>A on the plus strand (G>T on the coding strand, the complement: RELA is on the minus strand). VCF-style: chr11-65654539-C-A. GRCh37 (hg19) VCF-style: chr11-65422010-C-A.
Other names: c.1486G>T, p.Ala496Ser (NM_001145138.2); c.1288G>T, p.Ala430Ser (NM_001243984.2); c.1216-30G>T (NM_001243985.2); short protein forms A430S, A496S, A499S.
Identifiers: ClinVar variation 1509226 (VCV001509226.8), dbSNP rs1387957052, ClinGen allele CA381386666.